The following is an entry in ClinVar:

NM_001365951.3(KIF1B):c.905A>G (p.Asp302Gly)

Gene: KIF1B (kinesin family member 1B; plus strand). Cytogenetic location: 1p36.22.
Variant type: single nucleotide variant.
Coding change: c.905A>G on transcript NM_001365951.3 (MANE Select); coding-DNA position 905, A replaced by G.
Protein change: p.Asp302Gly; replaces aspartic acid 302 with glycine.
Molecular consequence: missense variant.
Genome position (GRCh38, 1-based): chr1:10,275,450, A>G. VCF-style: chr1-10275450-A-G. GRCh37 (hg19) VCF-style: chr1-10335508-A-G.
Other names: c.905A>G, p.Asp302Gly (NM_001365952.1); c.887A>G, p.Asp296Gly (NM_001365953.1, NM_015074.3, NM_183416.4); short protein forms D296G, D302G.
Identifiers: ClinVar variation 1764954 (VCV001764954.3), dbSNP rs1649049153, ClinGen allele CA338332507.

ClinVar aggregate classification (germline): Uncertain significance (1 of 4 stars; one submission).

Allele frequency attached by ClinVar (database versions not stated): TOPMed below 0.00001; gnomAD 0.00001.
gnomAD v4.1: 1 of 1,587,292 alleles (0.000063%); highest among the groups gnomAD compares: African/African-American, 0.0013%; no homozygotes.

Submission:

Ambry Genetics
Classification: Uncertain significance. Last evaluated: 2023-05-12. Review status: criteria provided, single submitter. Criteria: Ambry Variant Classification Scheme 2023. Collection method: clinical testing. Allele origin: germline.
Comment: The p.D296G variant (also known as c.887A>G), located in coding exon 9 of the KIF1B gene, results from an A to G substitution at nucleotide position 887. The aspartic acid at codon 296 is replaced by glycine, an amino acid with similar properties. This amino acid position is highly conserved in available vertebrate species. In addition, this alteration is predicted to be deleterious by in silico analysis. Since supporting evidence is limited at this time, the clinical significance of this alteration remains unclear.